The following is an entry in ClinVar:

NM_001793.6(CDH3):c.1085G>A (p.Trp362Ter)

Gene: CDH3 (cadherin 3; plus strand). Cytogenetic location: 16q22.1.
Variant type: single nucleotide variant.
Coding change: c.1085G>A on transcript NM_001793.6 (MANE Select); coding-DNA position 1085, G replaced by A.
Protein change: p.Trp362Ter; replaces tryptophan 362 with a stop codon.
Molecular consequence: nonsense.
Genome position (GRCh38, 1-based): chr16:68,682,390, G>A. VCF-style: chr16-68682390-G-A. GRCh37 (hg19) VCF-style: chr16-68716293-G-A.
Other names: c.1085G>A, p.Trp362Ter (NM_001317195.3); c.920G>A, p.Trp307Ter (NM_001317196.2); short protein forms W362*, W307*.
Identifiers: ClinVar variation 291181 (VCV000291181.15), dbSNP rs755910254, ClinGen allele CA8129250.

ClinVar aggregate classification (germline): Pathogenic/Likely pathogenic. Review status: criteria provided, multiple submitters, no conflicts (2 of 4 stars). 3 submissions from 3 submitters: Pathogenic (2); Likely pathogenic (1). Last evaluated 2022-06-20.

Conditions:
CDH3-related disorder. Also called: CDH3-related condition.

Allele frequency attached by ClinVar (database versions not stated): TOPMed below 0.00001; ExAC 0.00001; gnomAD exomes 0.00001.
gnomAD v4.1: 65 of 1,614,060 alleles (0.004%); highest among the groups gnomAD compares: Non-Finnish European, 0.0055%; no homozygotes.

Submissions (3):

Labcorp Genetics (formerly Invitae), Labcorp
Classification: Pathogenic. Last evaluated: 2022-06-20. Review status: criteria provided, single submitter. Criteria: Invitae Variant Classification Sherloc (09022015). Collection method: clinical testing. Allele origin: germline.
Comment: For these reasons, this variant has been classified as Pathogenic. ClinVar contains an entry for this variant (Variation ID: 291181). This premature translational stop signal has been observed in individual(s) with hypotrichosis with juvenile macular dystrophy (PMID: 27386845). In at least one individual the data is consistent with being in trans (on the opposite chromosome) from a pathogenic variant. This variant is present in population databases (rs755910254, gnomAD 0.002%). This sequence change creates a premature translational stop signal (p.Trp362*) in the CDH3 gene. It is expected to result in an absent or disrupted protein product. Loss-of-function variants in CDH3 are known to be pathogenic (PMID: 15805154, 27386845, 29620724).

Blueprint Genetics
Classification: Likely pathogenic for CDH3-related disorders. Last evaluated: 2021-09-26. Review status: criteria provided, single submitter. Criteria: ACMG Guidelines, 2015. Collection method: clinical testing. Allele origin: germline. Affected: yes. Observed: 1 variant allele.

Eurofins Ntd Llc (ga)
Classification: Pathogenic. Last evaluated: 2016-09-09. Review status: criteria provided, single submitter. Criteria: EGL Classification Definitions 2015. Collection method: clinical testing. Allele origin: germline. Observed: 1 variant allele, 1 heterozygote.

Literature cited by the submitters: PubMed 27386845 (cited by Labcorp Genetics (formerly Invitae), Labcorp); PubMed 15805154 (cited by Labcorp Genetics (formerly Invitae), Labcorp); PubMed 29620724 (cited by Labcorp Genetics (formerly Invitae), Labcorp).